The following is an entry in ClinVar:

ClinVar aggregate classification (germline): Uncertain significance (1 of 4 stars; one submission).

Conditions:
ABCB4-related disorder. Also called: ABCB4-related disorders; ABCB4-related condition.

Submission:

PreventionGenetics, part of Exact Sciences
Classification: Uncertain significance for ABCB4-related condition. Last evaluated: 2025-07-15. Review status: criteria provided, single submitter. Criteria: ACMG Guidelines, 2015. Collection method: clinical testing. Allele origin: germline.
Comment: The ABCB4 c.769G>C variant is predicted to result in the amino acid substitution p.Glu257Gln. To our knowledge, this variant has not been reported in the literature or in a large population database (gnomAD), indicating this variant is rare. At this time, the clinical significance of this variant is uncertain due to the absence of conclusive functional and genetic evidence.

NM_000443.4(ABCB4):c.769G>C (p.Glu257Gln)

Gene: ABCB4 (ATP binding cassette subfamily B member 4; minus strand). Cytogenetic location: 7q21.12.
Variant type: single nucleotide variant.
Coding change: c.769G>C on transcript NM_000443.4 (MANE Select); coding-DNA position 769, G replaced by C.
Protein change: p.Glu257Gln; replaces glutamic acid 257 with glutamine.
Molecular consequence: missense variant.
Genome position (GRCh38, 1-based): chr7:87,450,032, C>G on the plus strand (G>C on the coding strand, the complement: ABCB4 is on the minus strand). VCF-style: chr7-87450032-C-G. GRCh37 (hg19) VCF-style: chr7-87079348-C-G.
Other names: c.769G>C, p.Glu257Gln (NM_018849.3, NM_018850.3); short protein forms E257Q.
Identifiers: ClinVar variation 4986679 (VCV004986679.1).